The following is an entry in ClinVar:

ClinVar aggregate classification (germline): Uncertain significance (1 of 4 stars; one submission).

Conditions:
Cardiovascular phenotype. Identifiers: MedGen CN230736.

gnomAD v4.1: 2 of 1,614,122 alleles (0.00012%); highest among the groups gnomAD compares: Non-Finnish European, 0.000085%; no homozygotes.

Submission:

Ambry Genetics
Classification: Uncertain significance for Cardiovascular phenotype. Last evaluated: 2025-01-13. Review status: criteria provided, single submitter. Criteria: Ambry Variant Classification Scheme 2023. Collection method: clinical testing. Allele origin: germline.
Comment: The p.P408S variant (also known as c.1222C>T), located in coding exon 4 of the MYPN gene, results from a C to T substitution at nucleotide position 1222. The proline at codon 408 is replaced by serine, an amino acid with similar properties. This amino acid position is conserved. In addition, this alteration is predicted to be tolerated by in silico analysis. Based on the available evidence, the clinical significance of this variant remains unclear.

NM_032578.4(MYPN):c.1222C>T (p.Pro408Ser)

Gene: MYPN (myopalladin; plus strand). Cytogenetic location: 10q21.3.
Variant type: single nucleotide variant.
Coding change: c.1222C>T on transcript NM_032578.4 (MANE Select); coding-DNA position 1222, C replaced by T.
Protein change: p.Pro408Ser; replaces proline 408 with serine.
Molecular consequence: missense variant. On other transcripts: non-coding transcript variant (2).
Genome position (GRCh38, 1-based): chr10:68,148,444, C>T. VCF-style: chr10-68148444-C-T. GRCh37 (hg19) VCF-style: chr10-69908201-C-T.
Other names: c.1222C>T, p.Pro408Ser (NM_001256267.2); c.340C>T, p.Pro114Ser (NM_001256268.2); short protein forms P408S, P114S.
Identifiers: ClinVar variation 3877253 (VCV003877253.1).
Genomic context (GRCh38, chr10:68,148,444, plus strand): 5'-CCCACTACCTCTGCAGTCATTCCTCCAGCAGTACCCCAAGCCCAGCATTTGGTGGCCCAA[C>T]CTCGTGTGGCAACCATCCAGCAGGTACAAGAATCCAAGCGAAACACAAGTGCCATCCACT-3'
Protein context (NP_115967.2, residues 398-418): VPQAQHLVAQ[Pro408Ser]RVATIQQCQS